The following is an entry in ClinVar:

NM_001379500.1(COL18A1):c.1483C>T (p.Pro495Ser)

Gene: COL18A1 (collagen type XVIII alpha 1 chain; plus strand). Cytogenetic location: 21q22.3.
Variant type: single nucleotide variant.
Coding change: c.1483C>T on transcript NM_001379500.1 (MANE Select); coding-DNA position 1483, C replaced by T.
Protein change: p.Pro495Ser; replaces proline 495 with serine.
Molecular consequence: missense variant.
Genome position (GRCh38, 1-based): chr21:45,480,730, C>T. VCF-style: chr21-45480730-C-T. GRCh37 (hg19) VCF-style: chr21-46900644-C-T.
Other names: NM_130445.2:c.1483C>T; c.2023C>T, p.Pro675Ser (NM_030582.4); c.2728C>T, p.Pro910Ser (NM_130444.3); short protein forms P675S, P910S, P495S.
Identifiers: ClinVar variation 1409678 (VCV001409678.6), dbSNP rs375739796, ClinGen allele CA10066361.

ClinVar aggregate classification (germline): Uncertain significance. Review status: criteria provided, multiple submitters, no conflicts (2 of 4 stars). 3 submissions from 3 submitters: Uncertain significance (3). Last evaluated 2024-11-18.

Conditions:
Inborn genetic diseases. Identifiers: MedGen C0950123, MeSH D030342.

Allele frequency attached by ClinVar (database versions not stated): gnomAD exomes 0.00004 and 0.00006; TOPMed 0.00004; ExAC 0.00006; ESP Exome Variant Server 0.00017.
gnomAD v4.1: 71 of 1,610,136 alleles (0.0044%); highest among the groups gnomAD compares: African/African-American, 0.0053%; no homozygotes.

Submissions (3):

Blueprint Genetics
Classification: Uncertain significance. Last evaluated: 2024-11-18. Review status: criteria provided, single submitter. Criteria: ACMG Guidelines, 2015. Collection method: clinical testing. Allele origin: germline.

Labcorp Genetics (formerly Invitae), Labcorp
Classification: Uncertain significance. Last evaluated: 2023-11-27. Review status: criteria provided, single submitter. Criteria: Invitae Variant Classification Sherloc (09022015). Collection method: clinical testing. Allele origin: germline.
Comment: This sequence change replaces proline, which is neutral and non-polar, with serine, which is neutral and polar, at codon 495 of the COL18A1 protein (p.Pro495Ser). This variant is present in population databases (rs375739796, gnomAD 0.01%). This variant has not been reported in the literature in individuals affected with COL18A1-related conditions. ClinVar contains an entry for this variant (Variation ID: 1409678). Experimental studies and prediction algorithms are not available or were not evaluated, and the functional significance of this variant is currently unknown. In summary, the available evidence is currently insufficient to determine the role of this variant in disease. Therefore, it has been classified as a Variant of Uncertain Significance.

Ambry Genetics
Classification: Uncertain significance for Inborn genetic diseases. Last evaluated: 2023-01-26. Review status: criteria provided, single submitter. Criteria: Ambry Variant Classification Scheme 2023. Collection method: clinical testing. Allele origin: germline.